The following is an entry in ClinVar:

NM_052874.5(STX1B):c.497A>G (p.Asp166Gly)

Gene: STX1B (syntaxin 1B; minus strand). Cytogenetic location: 16p11.2.
Variant type: single nucleotide variant.
Coding change: c.497A>G on transcript NM_052874.5 (MANE Select); coding-DNA position 497, A replaced by G.
Protein change: p.Asp166Gly; replaces aspartic acid 166 with glycine.
Molecular consequence: missense variant.
Genome position (GRCh38, 1-based): chr16:30,996,723, T>C on the plus strand (A>G on the coding strand, the complement: STX1B is on the minus strand). VCF-style: chr16-30996723-T-C. GRCh37 (hg19) VCF-style: chr16-31008044-T-C.
Other names: short protein forms D166G.
Identifiers: ClinVar variation 4740501 (VCV004740501.1).

ClinVar aggregate classification (germline): Uncertain significance (1 of 4 stars; one submission).

Conditions:
Generalized epilepsy with febrile seizures plus, type 9 (GEFSP9). Also called: GEFS+, TYPE 9. Identifiers: Orphanet 36387, MedGen C4015395, MONDO:0014517, OMIM 616172.

Submission:

Labcorp Genetics (formerly Invitae), Labcorp
Classification: Uncertain significance for Generalized epilepsy with febrile seizures plus, type 9. Last evaluated: 2025-07-04. Review status: criteria provided, single submitter. Criteria: Invitae Variant Classification Sherloc (09022015). Collection method: clinical testing. Allele origin: germline.
Comment: This sequence change replaces aspartic acid, which is acidic and polar, with glycine, which is neutral and non-polar, at codon 166 of the STX1B protein (p.Asp166Gly). This variant is not present in population databases (gnomAD no frequency). This variant has not been reported in the literature in individuals affected with STX1B-related conditions. Invitae Evidence Modeling of protein sequence and biophysical properties (such as structural, functional, and spatial information, amino acid conservation, physicochemical variation, residue mobility, and thermodynamic stability) indicates that this missense variant is not expected to disrupt STX1B protein function with a negative predictive value of 80%. In summary, the available evidence is currently insufficient to determine the role of this variant in disease. Therefore, it has been classified as a Variant of Uncertain Significance.